The following is an entry in ClinVar:

NM_198253.3(TERT):c.1878G>C (p.Lys626Asn)

Gene: TERT (telomerase reverse transcriptase; minus strand). Cytogenetic location: 5p15.33.
Variant type: single nucleotide variant.
Coding change: c.1878G>C on transcript NM_198253.3 (MANE Select); coding-DNA position 1878, G replaced by C.
Protein change: p.Lys626Asn; replaces lysine 626 with asparagine.
Molecular consequence: missense variant. On other transcripts: non-coding transcript variant (2).
Genome position (GRCh38, 1-based): chr5:1,280,230, C>G on the plus strand (G>C on the coding strand, the complement: TERT is on the minus strand). VCF-style: chr5-1280230-C-G. GRCh37 (hg19) VCF-style: chr5-1280345-C-G.
Other names: c.1878G>C, p.Lys626Asn (NM_001193376.3); short protein forms K626N.
Identifiers: ClinVar variation 3757164 (VCV003757164.2).

ClinVar aggregate classification (germline): Uncertain significance (1 of 4 stars; one submission).

Conditions:
Dyskeratosis congenita, autosomal dominant 2. Identifiers: MedGen C3151443, MONDO:0013521, OMIM 613989.
Idiopathic Pulmonary Fibrosis. Also called: Idiopathic fibrosing alveolitis, chronic form; idiopathic fibrosing alveolitis. Identifiers: Orphanet 2032, MedGen C1800706, MeSH D054990, MONDO:0800504.

Submission:

Labcorp Genetics (formerly Invitae), Labcorp
Classification: Uncertain significance for Dyskeratosis congenita, autosomal dominant 2; Idiopathic Pulmonary Fibrosis. Last evaluated: 2024-07-06. Review status: criteria provided, single submitter. Criteria: Invitae Variant Classification Sherloc (09022015). Collection method: clinical testing. Allele origin: germline.
Comment: This sequence change replaces lysine, which is basic and polar, with asparagine, which is neutral and polar, at codon 626 of the TERT protein (p.Lys626Asn). This variant is not present in population databases (gnomAD no frequency). This variant has not been reported in the literature in individuals affected with TERT-related conditions. Advanced modeling of protein sequence and biophysical properties (such as structural, functional, and spatial information, amino acid conservation, physicochemical variation, residue mobility, and thermodynamic stability) performed at Invitae indicates that this missense variant is expected to disrupt TERT protein function with a positive predictive value of 95%. In summary, the available evidence is currently insufficient to determine the role of this variant in disease. Therefore, it has been classified as a Variant of Uncertain Significance.